The following is an entry in ClinVar:

ClinVar aggregate classification (germline): Benign. Review status: criteria provided, single submitter (1 of 4 stars). 3 submissions from 2 submitters: Benign (2). 1 of the submissions does not count toward it. Last evaluated 2018-01-12.

Conditions:
Tuberous sclerosis syndrome (TSC). Also called: Tuberous sclerosis; Tuberous Sclerosis Complex. Identifiers: Orphanet 805, MedGen C0041341, MONDO:0001734.
Isolated focal cortical dysplasia type II (FCORD2). Also called: CORTICAL DYSPLASIA OF TAYLOR; Focal cortical dysplasia type II. Identifiers: Orphanet 268994, MedGen C1846385, MONDO:0011818, OMIM 607341, HP:0032051.
Tuberous sclerosis 1 (TSC1). Identifiers: Orphanet 805, MedGen C1854465, MONDO:0008612, OMIM 191100.

Allele frequency attached by ClinVar (database versions not stated): gnomAD exomes 0.00381; 1000 Genomes Project 0.02316; gnomAD 0.02462 and 0.02671; 1000 Genomes Project 30x 0.02514; TOPMed 0.02821.
gnomAD v4.1: 3,995 of 225,882 alleles (1.8%); highest among the groups gnomAD compares: African/African-American, 8.3%; 166 homozygotes.

Submissions (3):

Illumina Laboratory Services, Illumina
Classification: Benign for Tuberous sclerosis 1. Last evaluated: 2018-01-12. Review status: criteria provided, single submitter. Criteria: ICSL Variant Classification Criteria 13 December 2019. Collection method: clinical testing. Allele origin: germline.
Comment: This variant was observed in the ICSL laboratory as part of a predisposition screen in an ostensibly healthy population. It had not been previously curated by ICSL or reported in the Human Gene Mutation Database (HGMD: prior to June 1st, 2018), and was therefore a candidate for classification through an automated scoring system. Utilizing variant allele frequency, disease prevalence and penetrance estimates, and inheritance mode, an automated score was calculated to assess if this variant is too frequent to cause the disease. Based on the score and internal cut-off values, a variant classified as benign is not then subjected to further curation. The score for this variant resulted in a classification of benign for this disease.

Illumina Laboratory Services, Illumina
Classification: Benign for Isolated focal cortical dysplasia type II. Last evaluated: 2018-01-12. Review status: criteria provided, single submitter. Criteria: ICSL Variant Classification Criteria 13 December 2019. Collection method: clinical testing. Allele origin: germline.
Comment: the same text as in the submission from Illumina Laboratory Services, Illumina above.

Tuberous sclerosis database (TSC1)
No classification provided. Condition: TSC. Review status: no classification provided. Criteria: Tuberous Sclerosis Database Assertion Criteria 2015. Collection method: curation. Allele origin: germline. Affected: yes and no. Not counted in ClinVar's aggregate classification.

NM_000368.5(TSC1):c.*1487C>T

Gene: TSC1 (TSC complex subunit 1; minus strand). Cytogenetic location: 9q34.13.
Variant type: single nucleotide variant.
Coding change: c.*1487C>T on transcript NM_000368.5 (MANE Select); 1487 bases downstream of the stop codon, C replaced by T.
Molecular consequence: 3 prime UTR variant.
Genome position (GRCh38, 1-based): chr9:132,894,748, G>A on the plus strand (C>T on the coding strand, the complement: TSC1 is on the minus strand). VCF-style: chr9-132894748-G-A. GRCh37 (hg19) VCF-style: chr9-135770135-G-A.
Other names: c.*1487C>T (NM_001162426.2, NM_001162427.2, NM_001362177.2).
Identifiers: ClinVar variation 64737 (VCV000064737.5), dbSNP rs79277527, ClinGen allele CA004909.